The following is an entry in ClinVar:

NM_006080.3(SEMA3A):c.623A>G (p.His208Arg)

Gene: SEMA3A (semaphorin 3A; minus strand). Cytogenetic location: 7q21.11.
Variant type: single nucleotide variant.
Coding change: c.623A>G on transcript NM_006080.3 (MANE Select); coding-DNA position 623, A replaced by G.
Protein change: p.His208Arg; replaces histidine 208 with arginine.
Molecular consequence: missense variant.
Genome position (GRCh38, 1-based): chr7:84,046,368, T>C on the plus strand (A>G on the coding strand, the complement: SEMA3A is on the minus strand). VCF-style: chr7-84046368-T-C. GRCh37 (hg19) VCF-style: chr7-83675684-T-C.
Other names: short protein forms H208R.
Identifiers: ClinVar variation 3348486 (VCV003348486.1).

ClinVar aggregate classification (germline): Uncertain significance (0 of 4 stars; one submission).

Conditions:
SEMA3A-related disorder. Also called: SEMA3A-related condition.

gnomAD v4.1: 3 of 1,613,266 alleles (0.00019%); highest among the groups gnomAD compares: Non-Finnish European, 0.00025%; no homozygotes.

Submission:

PreventionGenetics, part of Exact Sciences
Classification: Uncertain significance for SEMA3A-related condition. Last evaluated: 2024-03-28. Review status: no assertion criteria provided. Collection method: clinical testing. Allele origin: germline.
Comment: The SEMA3A c.623A>G variant is predicted to result in the amino acid substitution p.His208Arg. To our knowledge, this variant has not been reported in the literature or in a large population database, indicating this variant is rare. At this time, the clinical significance of this variant is uncertain due to the absence of conclusive functional and genetic evidence.